The following is an entry in ClinVar:

ClinVar aggregate classification (germline): Likely benign (1 of 4 stars; one submission).

Conditions:
EP300-related disorder. Also called: EP300-related condition; EP300-related disorders.

gnomAD v4.1: 2 of 1,614,112 alleles (0.00012%); highest among the groups gnomAD compares: Admixed American, 0.0033%; no homozygotes.

Submission:

PreventionGenetics, part of Exact Sciences
Classification: Likely benign for EP300-related condition. Last evaluated: 2026-03-31. Review status: criteria provided, single submitter. Criteria: ACMG Guidelines, 2015. Collection method: clinical testing. Allele origin: germline.
Comment: This variant is classified as likely benign based on ACMG/AMP sequence variant interpretation guidelines (Richards et al. 2015 PMID: 25741868, with internal and published modifications).

NM_001429.4(EP300):c.5694G>A (p.Gln1898=)

Gene: EP300 (EP300 lysine acetyltransferase; plus strand). Cytogenetic location: 22q13.2.
Variant type: single nucleotide variant.
Coding change: c.5694G>A on transcript NM_001429.4 (MANE Select); coding-DNA position 5694, G replaced by A.
Protein change: p.Gln1898=; no amino-acid change (glutamine 1898 retained).
Molecular consequence: synonymous variant.
Genome position (GRCh38, 1-based): chr22:41,177,405, G>A. VCF-style: chr22-41177405-G-A. GRCh37 (hg19) VCF-style: chr22-41573409-G-A.
Other names: c.5616G>A, p.Gln1872= (NM_001362843.2).
Identifiers: ClinVar variation 4988690 (VCV004988690.1).
Genomic context (GRCh38, chr22:41,177,405, plus strand): 5'-CCCTCCCAATAGCATGCCACCCTACTTGCCCAGGACTCAAGCTGCTGGCCCTGTGTCCCA[G>A]GGTAAGGCAGCAGGCCAGGTGACCCCTCCAACCCCTCCTCAGACTGCTCAGCCACCCCTT-3'
Protein context (NP_001420.2, residues 1888-1908): PRTQAAGPVS[Gln1898=]GKAAGQVTPP